The following is an entry in ClinVar:

ClinVar aggregate classification (germline): Uncertain significance. Review status: criteria provided, multiple submitters, no conflicts (2 of 4 stars). 2 submissions from 2 submitters: Uncertain significance (2). Last evaluated 2025-08-07.

Conditions:
Inborn genetic diseases. Identifiers: MedGen C0950123, MeSH D030342.
Cortical dysplasia-focal epilepsy syndrome (PTHSL1). Also called: Pitt-Hopkins-like syndrome 1. Identifiers: Orphanet 163681, Orphanet 221150, MedGen C2750246, MONDO:0012400, OMIM 610042.

Allele frequency attached by ClinVar (database versions not stated): TOPMed 0.00001; gnomAD exomes 0.00002; ExAC 0.00004.
gnomAD v4.1: 24 of 1,614,222 alleles (0.0015%); highest among the groups gnomAD compares: Non-Finnish European, 0.0019%; no homozygotes.

Submissions (2):

Ambry Genetics
Classification: Uncertain significance for Inborn genetic diseases. Last evaluated: 2025-08-07. Review status: criteria provided, single submitter. Criteria: Ambry Variant Classification Scheme 2023. Collection method: clinical testing. Allele origin: germline.

Labcorp Genetics (formerly Invitae), Labcorp
Classification: Uncertain significance for Cortical dysplasia-focal epilepsy syndrome. Last evaluated: 2022-08-19. Review status: criteria provided, single submitter. Criteria: Invitae Variant Classification Sherloc (09022015). Collection method: clinical testing. Allele origin: germline.
Comment: In summary, the available evidence is currently insufficient to determine the role of this variant in disease. Therefore, it has been classified as a Variant of Uncertain Significance. Algorithms developed to predict the effect of missense changes on protein structure and function output the following: SIFT: "Tolerated"; PolyPhen-2: "Benign"; Align-GVGD: "Class C0". The threonine amino acid residue is found in multiple mammalian species, which suggests that this missense change does not adversely affect protein function. ClinVar contains an entry for this variant (Variation ID: 1440003). This variant has not been reported in the literature in individuals affected with CNTNAP2-related conditions. This variant is present in population databases (rs778256879, gnomAD 0.004%). This sequence change replaces isoleucine, which is neutral and non-polar, with threonine, which is neutral and polar, at codon 155 of the CNTNAP2 protein (p.Ile155Thr).

NM_014141.6(CNTNAP2):c.464T>C (p.Ile155Thr)

Gene: CNTNAP2 (contactin associated protein 2; plus strand). Cytogenetic location: 7q35.
Variant type: single nucleotide variant.
Coding change: c.464T>C on transcript NM_014141.6 (MANE Select); coding-DNA position 464, T replaced by C.
Protein change: p.Ile155Thr; replaces isoleucine 155 with threonine.
Molecular consequence: missense variant.
Genome position (GRCh38, 1-based): chr7:147,043,968, T>C. VCF-style: chr7-147043968-T-C. GRCh37 (hg19) VCF-style: chr7-146741060-T-C.
Other names: c.464T>C (NM_014141.5); short protein forms I155T.
Identifiers: ClinVar variation 1440003 (VCV001440003.7), dbSNP rs778256879, ClinGen allele CA4545791.